The following is an entry in ClinVar:

NM_144670.6(A2ML1):c.2765-299G>T

Gene: A2ML1 (alpha-2-macroglobulin like 1; plus strand). Cytogenetic location: 12p13.31.
Variant type: single nucleotide variant.
Coding change: c.2765-299G>T on transcript NM_144670.6 (MANE Select); 299 bases into the intron before coding-DNA position 2765, G replaced by T.
Molecular consequence: intron variant.
Genome position (GRCh38, 1-based): chr12:8,855,210, G>T. VCF-style: chr12-8855210-G-T. GRCh37 (hg19) VCF-style: chr12-9007806-G-T.
Other names: c.1292-299G>T (NM_001282424.3).
Identifiers: ClinVar variation 561938 (VCV000561938.1), dbSNP rs113636807, ClinGen allele CA232693726.

ClinVar aggregate classification (germline): Likely benign (1 of 4 stars; one submission).

Allele frequency attached by ClinVar (database versions not stated): 1000 Genomes Project 30x 0.00515; gnomAD 0.00545 and 0.00570; 1000 Genomes Project 0.00559; TOPMed 0.00563.

Submission:

GeneDx
Classification: Likely benign. Last evaluated: 2018-06-19. Review status: criteria provided, single submitter. Criteria: GeneDx Variant Classification (06012015). Collection method: clinical testing. Allele origin: germline. Affected: yes.
Comment: This variant is considered likely benign or benign based on one or more of the following criteria: it is a conservative change, it occurs at a poorly conserved position in the protein, it is predicted to be benign by multiple in silico algorithms, and/or has population frequency not consistent with disease.